The following is an entry in ClinVar:

ClinVar aggregate classification (germline): Likely pathogenic (1 of 4 stars; one submission).

Conditions:
Polycystic kidney disease 4 (PKD4). Also called: POLYCYSTIC KIDNEY AND HEPATIC DISEASE 1; POLYCYSTIC KIDNEY DISEASE, INFANTILE, TYPE I; POLYCYSTIC KIDNEY DISEASE 4 WITH OR WITHOUT POLYCYSTIC LIVER DISEASE; PKD3; Autosomal Recessive Polycystic Kidney Disease – PKHD1. Identifiers: MedGen C4540575, MONDO:0033004, OMIM 263200.

Submission:

Myriad Genetics, Inc.
Classification: Likely pathogenic for Polycystic kidney disease 4. Last evaluated: 2022-01-06. Review status: criteria provided, single submitter. Criteria: Myriad Women's Health Autosomal Recessive and X-Linked Classification Criteria (2021). Collection method: clinical testing. Allele origin: unknown.
Comment: NM_138694.3(PKHD1):c.2887C>T(Q963*) is expected to be pathogenic in the context of autosomal recessive polycystic kidney disease, PKHD1-related. This variant is predicted to lead to an abnormal or absent protein product due to the creation of a premature termination codon in PKHD1, a gene where loss-of-function variants are known to be pathogenic. Please note: this variant was assessed in the context of healthy population screening.

NM_138694.4(PKHD1):c.2887C>T (p.Gln963Ter)

Gene: PKHD1 (PKHD1 ciliary IPT domain containing fibrocystin/polyductin; minus strand). Cytogenetic location: 6p12.2.
Variant type: single nucleotide variant.
Coding change: c.2887C>T on transcript NM_138694.4 (MANE Select); coding-DNA position 2887, C replaced by T.
Protein change: p.Gln963Ter; replaces glutamine 963 with a stop codon.
Molecular consequence: nonsense.
Genome position (GRCh38, 1-based): chr6:52,043,069, G>A on the plus strand (C>T on the coding strand, the complement: PKHD1 is on the minus strand). VCF-style: chr6-52043069-G-A. GRCh37 (hg19) VCF-style: chr6-51907867-G-A.
Other names: c.2887C>T, p.Gln963Ter (NM_170724.3); short protein forms Q963*.
Identifiers: ClinVar variation 1726783 (VCV001726783.2), dbSNP rs2533049562, ClinGen allele CA364442350.